The following is an entry in ClinVar:

NM_001271.4(CHD2):c.2583C>G (p.Phe861Leu)

Gene: CHD2 (chromodomain helicase DNA binding protein 2; plus strand). Cytogenetic location: 15q26.1.
Variant type: single nucleotide variant.
Coding change: c.2583C>G on transcript NM_001271.4 (MANE Select); coding-DNA position 2583, C replaced by G.
Protein change: p.Phe861Leu; replaces phenylalanine 861 with leucine.
Molecular consequence: missense variant.
Genome position (GRCh38, 1-based): chr15:92,978,239, C>G. VCF-style: chr15-92978239-C-G. GRCh37 (hg19) VCF-style: chr15-93521469-C-G.
Other names: short protein forms F861L.
Identifiers: ClinVar variation 1361392 (VCV001361392.8), dbSNP rs2141843170, ClinGen allele CA393893659.
Genomic context (GRCh38, chr15:92,978,239, plus strand): 5'-TGAAACTGTTTCTGAGAAGGCCACTGCATAAAGTAGTATATTGCATTGTGTACAGGACTT[C>G]TGTTTCCTGCTCTCGACAAGGGCTGGTGGCCTGGGAATCAATTTGGCTTCAGCGGACACA-3'
Protein context (NP_001262.3, residues 851-871): DHFNADGSED[Phe861Leu]CFLLSTRAGG

ClinVar aggregate classification (germline): Uncertain significance (1 of 4 stars; one submission).

Conditions:
Developmental and epileptic encephalopathy 94 (DEE94). Also called: Epileptic encephalopathy, childhood-onset; CHD2-Related Neurodevelopmental Disorders. Identifiers: Orphanet 1942, Orphanet 2382, MedGen C3809278, MONDO:0014150, OMIM 615369.

Submission:

Labcorp Genetics (formerly Invitae), Labcorp
Classification: Uncertain significance for Developmental and epileptic encephalopathy 94. Last evaluated: 2022-01-13. Review status: criteria provided, single submitter. Criteria: Invitae Variant Classification Sherloc (09022015). Collection method: clinical testing. Allele origin: germline.
Comment: This variant is not present in population databases (gnomAD no frequency). This sequence change replaces phenylalanine, which is neutral and non-polar, with leucine, which is neutral and non-polar, at codon 861 of the CHD2 protein (p.Phe861Leu). This variant has not been reported in the literature in individuals affected with CHD2-related conditions. Advanced modeling of protein sequence and biophysical properties (such as structural, functional, and spatial information, amino acid conservation, physicochemical variation, residue mobility, and thermodynamic stability) performed at Invitae indicates that this missense variant is expected to disrupt CHD2 protein function. In summary, the available evidence is currently insufficient to determine the role of this variant in disease. Therefore, it has been classified as a Variant of Uncertain Significance.